The following is an entry in ClinVar:

ClinVar aggregate classification (germline): Uncertain significance (1 of 4 stars; one submission).

Submission:

GeneDx
Classification: Uncertain significance. Last evaluated: 2026-03-24. Review status: criteria provided, single submitter. Criteria: GeneDx Variant Classification Process June 2021. Collection method: clinical testing. Allele origin: germline.
Comment: Not observed at significant frequency in large population cohorts (gnomAD); In silico analysis supports that this missense variant has a deleterious effect on protein structure/function; Has not been previously published as pathogenic or benign to our knowledge

NM_000256.3(MYBPC3):c.1709A>T (p.Asp570Val)

Gene: MYBPC3 (myosin binding protein C3; minus strand). Cytogenetic location: 11p11.2.
Variant type: single nucleotide variant.
Coding change: c.1709A>T on transcript NM_000256.3 (MANE Select); coding-DNA position 1709, A replaced by T.
Protein change: p.Asp570Val; replaces aspartic acid 570 with valine.
Molecular consequence: missense variant.
Genome position (GRCh38, 1-based): chr11:47,342,072, T>A on the plus strand (A>T on the coding strand, the complement: MYBPC3 is on the minus strand). VCF-style: chr11-47342072-T-A. GRCh37 (hg19) VCF-style: chr11-47363623-T-A.
Other names: short protein forms D570V.
Identifiers: ClinVar variation 5017439 (VCV005017439.1).